The following is an entry in ClinVar:

NM_000219.6(KCNE1):c.92C>A (p.Ala31Asp)

Gene: KCNE1 (potassium voltage-gated channel subfamily E regulatory subunit 1; minus strand). Cytogenetic location: 21q22.12.
Variant type: single nucleotide variant.
Coding change: c.92C>A on transcript NM_000219.6 (MANE Select); coding-DNA position 92, C replaced by A.
Protein change: p.Ala31Asp; replaces alanine 31 with aspartic acid.
Molecular consequence: missense variant.
Genome position (GRCh38, 1-based): chr21:34,449,543, G>T on the plus strand (C>A on the coding strand, the complement: KCNE1 is on the minus strand). VCF-style: chr21-34449543-G-T. GRCh37 (hg19) VCF-style: chr21-35821841-G-T.
Other names: c.92C>A, p.Ala31Asp (NM_001127668.4, NM_001127669.4, NM_001127670.4 and 4 more transcripts); short protein forms A31D.
Identifiers: ClinVar variation 3374025 (VCV003374025.2).

Conditions:
Long QT syndrome 5 (LQT5). Identifiers: Orphanet 101016, Orphanet 768, MedGen C1867904, MONDO:0013372, OMIM 613695.

Submission:

Roden Lab, Vanderbilt University Medical Center
No classification provided (evidence only). Condition: Long QT syndrome 5. Review status: no classification provided. Collection method: in vitro. Allele origin: not applicable. Functional consequence: Effect on ion channel function.
ClinVar note: "not provided" was previously submitted as the classification for the variant. However, the classification appeared to be based only on an observation of functional data so it was converted to no classification on 2025-07-30.